The following is an entry in ClinVar:

NM_014974.3(DIP2C):c.653C>T (p.Ser218Leu)

Gene: DIP2C (DIP2 acetate--CoA ligase C (putative); minus strand). Cytogenetic location: 10p15.3.
Variant type: single nucleotide variant.
Coding change: c.653C>T on transcript NM_014974.3 (MANE Select); coding-DNA position 653, C replaced by T.
Protein change: p.Ser218Leu; replaces serine 218 with leucine.
Molecular consequence: missense variant.
Genome position (GRCh38, 1-based): chr10:419,151, G>A on the plus strand (C>T on the coding strand, the complement: DIP2C is on the minus strand). VCF-style: chr10-419151-G-A. GRCh37 (hg19) VCF-style: chr10-465091-G-A.
Other names: c.653C>T (NM_014974.2); short protein forms S218L.
Identifiers: ClinVar variation 2885397 (VCV002885397.4), dbSNP rs763285278, ClinGen allele CA5381250.

ClinVar aggregate classification (germline): Uncertain significance. Review status: criteria provided, multiple submitters, no conflicts (2 of 4 stars). 2 submissions from 2 submitters: Uncertain significance (2). Last evaluated 2026-01-05.

Conditions:
Inborn genetic diseases. Identifiers: MedGen C0950123, MeSH D030342.

Allele frequency attached by ClinVar (database versions not stated): gnomAD 0.00001; ExAC 0.00002; TOPMed 0.00004.
gnomAD v4.1: 87 of 1,614,116 alleles (0.0054%); highest among the groups gnomAD compares: Non-Finnish European, 0.0067%; no homozygotes.

Submissions (2):

Labcorp Genetics (formerly Invitae), Labcorp
Classification: Uncertain significance. Last evaluated: 2026-01-05. Review status: criteria provided, single submitter. Criteria: Invitae Variant Classification Sherloc (09022015). Collection method: clinical testing. Allele origin: germline.
Comment: This sequence change replaces serine, which is neutral and polar, with leucine, which is neutral and non-polar, at codon 218 of the DIP2C protein (p.Ser218Leu). This variant is present in population databases (rs763285278, gnomAD 0.005%). This variant has not been reported in the literature in individuals affected with DIP2C-related conditions. ClinVar contains an entry for this variant (Variation ID: 2885397). An algorithm developed to predict the effect of missense changes on protein structure and function (PolyPhen-2) suggests that this variant is likely to be tolerated. In summary, the available evidence is currently insufficient to determine the role of this variant in disease. Therefore, it has been classified as a Variant of Uncertain Significance.

Ambry Genetics
Classification: Uncertain significance for Inborn genetic diseases. Last evaluated: 2025-05-15. Review status: criteria provided, single submitter. Criteria: Ambry Variant Classification Scheme 2023. Collection method: clinical testing. Allele origin: germline.